The following is an entry in ClinVar:

NM_002303.6(LEPR):c.2674-5955A>G

Gene: LEPR (leptin receptor; plus strand). Cytogenetic location: 1p31.3.
Variant type: single nucleotide variant.
Coding change: c.2674-5955A>G on transcript NM_002303.6 (MANE Select); 5955 bases into the intron before coding-DNA position 2674, A replaced by G.
Molecular consequence: intron variant. On other transcripts: missense variant (2).
Genome position (GRCh38, 1-based): chr1:65,630,236, A>G. VCF-style: chr1-65630236-A-G. GRCh37 (hg19) VCF-style: chr1-66095919-A-G.
Other names: c.2708A>G, p.His903Arg (NM_001003680.3, NM_001198687.2); c.2674-2916A>G (NM_001003679.3, NM_001198689.2); short protein forms H903R.
Identifiers: ClinVar variation 3351098 (VCV003351098.2).

ClinVar aggregate classification (germline): Uncertain significance (1 of 4 stars; one submission).

Conditions:
LEPR-related disorder. Also called: LEPR-related disorders; LEPR-related condition.

Submission:

PreventionGenetics, part of Exact Sciences
Classification: Uncertain significance for LEPR-related condition. Last evaluated: 2026-09-01. Review status: criteria provided, single submitter. Criteria: ACMG Guidelines, 2015. Collection method: clinical testing. Allele origin: germline.
Comment: The LEPR c.2708A>G variant is predicted to result in the amino acid substitution p.His903Arg. To our knowledge, this variant has not been reported in the literature. This variant is reported in 0.031% of alleles in individuals of African descent in gnomAD. At this time, the clinical significance of this variant is uncertain due to the absence of conclusive functional and genetic evidence.